The following is an entry in ClinVar:

NM_000065.5(C6):c.2239C>T (p.Gln747Ter)

Gene: C6 (complement C6; minus strand). Cytogenetic location: 5p13.1.
Variant type: single nucleotide variant.
Coding change: c.2239C>T on transcript NM_000065.5 (MANE Select); coding-DNA position 2239, C replaced by T.
Protein change: p.Gln747Ter; replaces glutamine 747 with a stop codon.
Molecular consequence: nonsense.
Genome position (GRCh38, 1-based): chr5:41,153,861, G>A on the plus strand (C>T on the coding strand, the complement: C6 is on the minus strand). VCF-style: chr5-41153861-G-A. GRCh37 (hg19) VCF-style: chr5-41153963-G-A.
Other names: c.2239C>T, p.Gln747Ter (NM_001115131.4); short protein forms Q747*.
Identifiers: ClinVar variation 5006900 (VCV005006900.2).
Genomic context (GRCh38, chr5:41,153,861, plus strand): 5'-GCTACTCACCTTTTTCACAGGTGAGAGAGTTTGAAATGGGTGGTGTCCAGGAATTCCCCT[G>A]GCATGTGTACCTTGATGGCCCAGCAACAACAAAGCCTTTGGGGCAAGTTAGCTCAATGGA-3'

ClinVar aggregate classification (germline): Likely pathogenic (1 of 4 stars; one submission).

Conditions:
Complement component 6 deficiency (C6D). Also called: C6 DEFICIENCY. Identifiers: MedGen C2676232, MONDO:0012908, OMIM 612446.

Submission:

Juno Genomics, Hangzhou Juno Genomics, Inc
Classification: Likely pathogenic for Complement component 6 deficiency. Review status: criteria provided, single submitter. Criteria: ACMG Guidelines, 2015. Collection method: clinical testing. Allele origin: germline.
Comment: Null variant in a gene where loss of function (LOF) is a known mechanism of disease.;Absent from controls (or at extremely low frequency if recessive) in Genome Aggregation Database.